The following is an entry in ClinVar:

ClinVar aggregate classification (germline): Likely benign (1 of 4 stars; one submission).

Allele frequency attached by ClinVar (database versions not stated): gnomAD 0.00001; gnomAD exomes 0.00005.

Submission:

CeGaT Center for Human Genetics Tuebingen
Classification: Likely benign. Last evaluated: 2022-07-01. Review status: criteria provided, single submitter. Criteria: CeGaT Center For Human Genetics Tuebingen Variant Classification Criteria Version 2. Collection method: clinical testing. Allele origin: germline. Affected: yes. Observed: 1 variant allele.
Comment: IRF2BPL: BP4, BP7

NM_024496.4(IRF2BPL):c.402C>T (p.Ser134=)

Gene: IRF2BPL (interferon regulatory factor 2 binding protein like; minus strand). Cytogenetic location: 14q24.3.
Variant type: single nucleotide variant.
Coding change: c.402C>T on transcript NM_024496.4 (MANE Select); coding-DNA position 402, C replaced by T.
Protein change: p.Ser134=; no amino-acid change (serine 134 retained).
Molecular consequence: synonymous variant.
Genome position (GRCh38, 1-based): chr14:77,027,391, G>A on the plus strand (C>T on the coding strand, the complement: IRF2BPL is on the minus strand). VCF-style: chr14-77027391-G-A. GRCh37 (hg19) VCF-style: chr14-77493734-G-A.
Identifiers: ClinVar variation 2644406 (VCV002644406.24), dbSNP rs764059898, ClinGen allele CA7283965.